The following is an entry in ClinVar:

ClinVar aggregate classification (germline): Uncertain significance (1 of 4 stars; one submission).

gnomAD v4.1: 1 of 1,613,986 alleles (0.000062%); no homozygotes.

Submission:

GeneDx
Classification: Uncertain significance. Last evaluated: 2015-07-07. Review status: criteria provided, single submitter. Criteria: GeneDx Variant Classification (06012015). Collection method: clinical testing. Allele origin: germline. Affected: yes.
Comment: p.Ser352Leu (S352L) (TCA>TTA): c.1055 C>T in exon 8 of the FBN2 gene (NM_001999.3). The S352L variant has not been published as a mutation, nor has it been reported as a benign polymorphism to our knowledge. The S352L variant was not observed in approximately 6,500 individuals of European and African American ancestry in the NHLBI Exome Sequencing Project, indicating it is not a common benign variant in these populations. The S352L variant is a non-conservative amino acid substitution, which is likely to impact secondary protein structure as these residues differ in polarity, charge, size and/or other properties. This substitution occurs at a position that is conserved across species and in silico analysis predicts this variant is probably damaging to the protein structure/function. However, the S352L variant does not affect a Cysteine residue within a calcium-binding EGF-like domain of the FBN2 gene. Cysteine substitutions in the calcium-binding EGF-like domains represent the majority of pathogenic missense changes associated with congenital arachnodactyly (Collod-Beroud et al., 2003). Therefore, based on the currently available information, it is unclear whether this variant is a pathogenic mutation or a rare benign variant. This variant was found in TAADV2-PANCARD

NM_001999.4(FBN2):c.1055C>T (p.Ser352Leu)

Gene: FBN2 (fibrillin 2; minus strand). Cytogenetic location: 5q23.3.
Variant type: single nucleotide variant.
Coding change: c.1055C>T on transcript NM_001999.4 (MANE Select); coding-DNA position 1055, C replaced by T.
Protein change: p.Ser352Leu; replaces serine 352 with leucine.
Molecular consequence: missense variant.
Genome position (GRCh38, 1-based): chr5:128,408,697, G>A on the plus strand (C>T on the coding strand, the complement: FBN2 is on the minus strand). VCF-style: chr5-128408697-G-A. GRCh37 (hg19) VCF-style: chr5-127744390-G-A.
Other names: short protein forms S352L.
Identifiers: ClinVar variation 213267 (VCV000213267.2), dbSNP rs863223548, ClinGen allele CA324818.